The following is an entry in ClinVar:

NM_000062.3(SERPING1):c.1379C>A (p.Ser460Tyr)

Gene: SERPING1 (serpin family G member 1; plus strand). Cytogenetic location: 11q12.1.
Variant type: single nucleotide variant.
Coding change: c.1379C>A on transcript NM_000062.3 (MANE Select); coding-DNA position 1379, C replaced by A.
Protein change: p.Ser460Tyr; replaces serine 460 with tyrosine.
Molecular consequence: missense variant.
Genome position (GRCh38, 1-based): chr11:57,614,457, C>A. VCF-style: chr11-57614457-C-A. GRCh37 (hg19) VCF-style: chr11-57381930-C-A.
Other names: c.1379C>A, p.Ser460Tyr (NM_001032295.2); short protein forms S460Y.
Identifiers: ClinVar variation 3256138 (VCV003256138.2).
Genomic context (GRCh38, chr11:57,614,457, plus strand): 5'-CGATGCAGCACCAGACAGTGCTGGAACTGACAGAGACTGGGGTGGAGGCGGCTGCAGCCT[C>A]CGCCATCTCTGTGGCCCGCACCCTGCTGGTCTTTGAAGTGCAGCAGCCCTTCCTCTTCGT-3'
Protein context (NP_000053.2, residues 450-470): TETGVEAAAA[Ser460Tyr]AISVARTLLV

ClinVar aggregate classification (germline): Likely pathogenic (1 of 4 stars; one submission).

Conditions:
Hereditary angioedema type 1 (HAE1). Identifiers: Orphanet 100050, Orphanet 100051, Orphanet 91378, MedGen C2717906, MONDO:0015053, OMIM 106100.

Submission:

DNA-diagnostics Laboratory, Research Centre For Medical Genetics
Classification: Likely pathogenic for Hereditary angioedema type 1. Last evaluated: 2024-07-28. Review status: criteria provided, single submitter. Criteria: ACMG Guidelines, 2015. Collection method: research. Allele origin: germline. Inheritance: Autosomal dominant inheritance. Affected: yes. Observed: 1 heterozygote.
Comment: According to our observation and published information (Ponard et all, 2020), the c.1379C>A variant in SERPING1 meets ACMG/ClinGen SVI guidance criteria to be classified as likely pathogenic: PS4_Mod, PP4_Mod, PM2_Sup, PP2

Literature cited by the submitters: DOI 10.1002/humu.23917.